The following is an entry in ClinVar:

NM_017612.5(ZCCHC8):c.1960A>G (p.Thr654Ala)

Gene: ZCCHC8 (zinc finger CCHC-type containing 8; minus strand). Cytogenetic location: 12q24.31.
Variant type: single nucleotide variant.
Coding change: c.1960A>G on transcript NM_017612.5 (MANE Select); coding-DNA position 1960, A replaced by G.
Protein change: p.Thr654Ala; replaces threonine 654 with alanine.
Molecular consequence: missense variant.
Genome position (GRCh38, 1-based): chr12:122,473,661, T>C on the plus strand (A>G on the coding strand, the complement: ZCCHC8 is on the minus strand). VCF-style: chr12-122473661-T-C. GRCh37 (hg19) VCF-style: chr12-122958208-T-C.
Other names: c.1729A>G, p.Thr577Ala (NM_001350935.2); c.1663A>G, p.Thr555Ala (NM_001350936.2); c.1246A>G, p.Thr416Ala (NM_001350937.2, NM_001350938.2); short protein forms T577A, T654A, T416A, T555A.
Identifiers: ClinVar variation 3651683 (VCV003651683.2).

ClinVar aggregate classification (germline): Uncertain significance (1 of 4 stars; one submission).

Submission:

Labcorp Genetics (formerly Invitae), Labcorp
Classification: Uncertain significance. Last evaluated: 2024-04-30. Review status: criteria provided, single submitter. Criteria: Invitae Variant Classification Sherloc (09022015). Collection method: clinical testing. Allele origin: germline.
Comment: This sequence change replaces threonine, which is neutral and polar, with alanine, which is neutral and non-polar, at codon 654 of the ZCCHC8 protein (p.Thr654Ala). This variant is not present in population databases (gnomAD no frequency). This variant has not been reported in the literature in individuals affected with ZCCHC8-related conditions. Advanced modeling of protein sequence and biophysical properties (such as structural, functional, and spatial information, amino acid conservation, physicochemical variation, residue mobility, and thermodynamic stability) performed at Invitae indicates that this missense variant is not expected to disrupt ZCCHC8 protein function with a negative predictive value of 80%. In summary, the available evidence is currently insufficient to determine the role of this variant in disease. Therefore, it has been classified as a Variant of Uncertain Significance.